The following is an entry in ClinVar:

NM_001127222.2(CACNA1A):c.5021G>T (p.Gly1674Val)

Gene: CACNA1A (calcium voltage-gated channel subunit alpha1 A; minus strand). Cytogenetic location: 19p13.13.
Variant type: single nucleotide variant.
Coding change: c.5021G>T on transcript NM_001127222.2 (MANE Select); coding-DNA position 5021, G replaced by T.
Protein change: p.Gly1674Val; replaces glycine 1674 with valine.
Molecular consequence: missense variant.
Genome position (GRCh38, 1-based): chr19:13,235,660, C>A on the plus strand (G>T on the coding strand, the complement: CACNA1A is on the minus strand). VCF-style: chr19-13235660-C-A. GRCh37 (hg19) VCF-style: chr19-13346474-C-A.
Other names: c.5039G>T, p.Gly1680Val (NM_000068.4, NM_023035.3); c.5024G>T, p.Gly1675Val (NM_001127221.2); c.5030G>T, p.Gly1677Val (NM_001174080.2); short protein forms G1674V, G1675V, G1677V, G1680V.
Identifiers: ClinVar variation 2446556 (VCV002446556.5), dbSNP rs895744093, ClinGen allele CA404336744.

ClinVar aggregate classification (germline): Uncertain significance. Review status: criteria provided, multiple submitters, no conflicts (2 of 4 stars). 2 submissions from 2 submitters: Uncertain significance (2). Last evaluated 2024-11-16.

Submissions (2):

GeneDx
Classification: Uncertain significance. Last evaluated: 2024-11-16. Review status: criteria provided, single submitter. Criteria: GeneDx Variant Classification Process June 2021. Collection method: clinical testing. Allele origin: germline. Affected: yes.
Comment: Not observed at significant frequency in large population cohorts (gnomAD); In silico analysis supports that this missense variant has a deleterious effect on protein structure/function; Has not been previously published as pathogenic or benign to our knowledge

Revvity Omics, Revvity
Classification: Uncertain significance. Last evaluated: 2024-09-18. Review status: criteria provided, single submitter. Criteria: ACMG Guidelines, 2015. Collection method: clinical testing. Allele origin: germline.